The following is an entry in ClinVar:

NM_001365276.2(TNXB):c.8458G>T (p.Gly2820Cys)

Gene: TNXB (tenascin XB; minus strand). Cytogenetic location: 6p21.33.
Variant type: single nucleotide variant.
Coding change: c.8458G>T on transcript NM_001365276.2 (MANE Select); coding-DNA position 8458, G replaced by T.
Protein change: p.Gly2820Cys; replaces glycine 2820 with cysteine.
Molecular consequence: missense variant.
Genome position (GRCh38, 1-based): chr6:32,055,860, C>A on the plus strand (G>T on the coding strand, the complement: TNXB is on the minus strand). VCF-style: chr6-32055860-C-A. GRCh37 (hg19) VCF-style: chr6-32023637-C-A.
Other names: c.8458G>T, p.Gly2820Cys (NM_019105.8); short protein forms G2820C.
Identifiers: ClinVar variation 1763447 (VCV001763447.6), dbSNP rs367809743, ClinGen allele CA3733841.

ClinVar aggregate classification (germline): Uncertain significance. Review status: criteria provided, multiple submitters, no conflicts (2 of 4 stars). 3 submissions from 3 submitters: Uncertain significance (3). Last evaluated 2026-02-14.

Conditions:
Cardiovascular phenotype. Identifiers: MedGen CN230736.
TNXB-related disorder. Also called: TNXB-related condition.

Allele frequency attached by ClinVar (database versions not stated): ExAC 0.00001; gnomAD 0.00001; gnomAD exomes 0.00001; TOPMed 0.00002; ESP Exome Variant Server 0.00013.
gnomAD v4.1: 11 of 1,611,396 alleles (0.00068%); highest among the groups gnomAD compares: African/African-American, 0.0013%; no homozygotes.

Submissions (3):

PreventionGenetics, part of Exact Sciences
Classification: Uncertain significance for TNXB-related condition. Last evaluated: 2026-02-14. Review status: criteria provided, single submitter. Criteria: ACMG Guidelines, 2015. Collection method: clinical testing. Allele origin: germline.
Comment: The TNXB c.8458G>T variant is predicted to result in the amino acid substitution p.Gly2820Cys. To our knowledge, this variant has not been reported in the literature. This variant is reported in 0.0043% of alleles in individuals of African descent in gnomAD. At this time, the clinical significance of this variant is uncertain due to the absence of conclusive functional and genetic evidence.

Women's Health and Genetics/Laboratory Corporation of America, LabCorp
Classification: Uncertain significance. Last evaluated: 2025-03-10. Review status: criteria provided, single submitter. Criteria: LabCorp Variant Classification Summary - May 2015. Collection method: clinical testing. Allele origin: germline.
Comment: Variant summary: TNXB c.8458G>T (p.Gly2820Cys) results in a non-conservative amino acid change in the encoded protein sequence. Three of five in-silico tools predict a damaging effect of the variant on protein function. The variant allele was found at a frequency of 4.1e-06 in 245166 control chromosomes. The available data on variant occurrences in the general population are insufficient to allow any conclusion about variant significance. To our knowledge, no occurrence of c.8458G>T in individuals affected with Ehlers-Danlos syndrome due to tenascin-X deficiency and no experimental evidence demonstrating its impact on protein function have been reported. ClinVar contains an entry for this variant (Variation ID: 1763447). Based on the evidence outlined above, the variant was classified as uncertain significance.

Ambry Genetics
Classification: Uncertain significance for Cardiovascular phenotype. Last evaluated: 2025-01-27. Review status: criteria provided, single submitter. Criteria: Ambry Variant Classification Scheme 2023. Collection method: clinical testing. Allele origin: germline.